The following is an entry in ClinVar:

NM_001130987.2(DYSF):c.1721T>C (p.Leu574Pro)

Gene: DYSF (dysferlin; plus strand). Cytogenetic location: 2p13.2.
Variant type: single nucleotide variant.
Coding change: c.1721T>C on transcript NM_001130987.2 (MANE Select); coding-DNA position 1721, T replaced by C.
Protein change: p.Leu574Pro; replaces leucine 574 with proline.
Molecular consequence: missense variant.
Genome position (GRCh38, 1-based): chr2:71,551,635, T>C. VCF-style: chr2-71551635-T-C. GRCh37 (hg19) VCF-style: chr2-71778765-T-C.
Other names: NM_001130987.2(DYSF):c.1721T>C; c.1670T>C, p.Leu557Pro (NM_001130455.2, NM_001130983.2); c.1625T>C, p.Leu542Pro (NM_001130976.2, NM_001130977.2); c.1667T>C, p.Leu556Pro (NM_001130978.2, NM_003494.4); c.1760T>C, p.Leu587Pro (NM_001130979.2); c.1718T>C, p.Leu573Pro (NM_001130980.2, NM_001130981.2); c.1763T>C, p.Leu588Pro (NM_001130982.2); c.1628T>C, p.Leu543Pro (NM_001130984.2, NM_001130986.2); and 1 more; short protein forms L556P, L574P, L587P, L588P, L573P, L543P, L542P, L557P.
Identifiers: ClinVar variation 545009 (VCV000545009.19), dbSNP rs200916654, ClinGen allele CA1705913.

ClinVar aggregate classification (germline): Pathogenic. Review status: reviewed by expert panel (3 of 4 stars). 8 submissions from 8 submitters: Pathogenic (1). 7 of the submissions do not count toward it. Last evaluated 2026-01-23.

Conditions:
Miyoshi muscular dystrophy 1 (MMD1). Identifiers: Orphanet 45448, MedGen C4551973, MONDO:0024545, OMIM 254130.
Autosomal recessive limb-girdle muscular dystrophy type 2B (LGMDR2). Also called: MUSCULAR DYSTROPHY, LIMB-GIRDLE, TYPE 3; MUSCULAR DYSTROPHY, LIMB-GIRDLE, AUTOSOMAL RECESSIVE 2; Limb-girdle muscular dystrophy, type 2B; Limb-Girdle Muscular Dystrophy Type 2B (LGMD2B). Identifiers: Orphanet 268, MedGen C1850889, MONDO:0009676, OMIM 253601.
Distal myopathy with anterior tibial onset. Identifiers: Orphanet 178400, MedGen C1847532, MONDO:0011721, OMIM 606768.
Neuromuscular disease caused by qualitative or quantitative defects of dysferlin. Also called: Qualitative or quantitative defects of dysferlin; Dysferlinopathy. Identifiers: Orphanet 207073, MedGen C2931687, MONDO:0016145.
Autosomal recessive limb-girdle muscular dystrophy. Identifiers: Orphanet 102015, MedGen C2931907, MONDO:0015152.
DYSF-related disorder. Also called: DYSF-related condition; DYSF-related disorders.

Allele frequency attached by ClinVar (database versions not stated): gnomAD 0.00001; TOPMed 0.00001; ExAC 0.00002; gnomAD exomes 0.00003; 1000 Genomes Project 30x 0.00016; 1000 Genomes Project 0.00020.
gnomAD v4.1: 8 of 1,609,460 alleles (0.0005%); highest among the groups gnomAD compares: East Asian, 0.018%; no homozygotes.

Submissions (8):

ClinGen Limb Girdle Muscular Dystrophy Variant Curation Expert Panel, ClinGen
Classification: Pathogenic for Autosomal recessive limb-girdle muscular dystrophy. Last evaluated: 2026-01-23. Review status: reviewed by expert panel. Criteria: ClinGen LGMD VCEP ACMG Specifications DYSF V2.0.0. Collection method: curation. Allele origin: germline. Inheritance: Autosomal recessive inheritance.
Comment: The NM_003494.4: c.1667T>C variant in DYSF, which is also known as NM_001130987.2: c.1721T>C p.(Leu574Pro), is a missense variant predicted to cause substitution of leucine by proline at amino acid 556, p.(Leu556Pro). This variant has been reported in at least 18 individuals with features of LGMD (PMID: 27647186, 3560664 34559919). At least 11 individuals were homozygous, including three siblings with known consanguinity (1.0 pt, PMID: 27647186, 3560664 34559919; PP1). It was also identified in trans phase with a pathogenic variant in one individual (NM_003494.4: c.6124C>T p.(Arg2042Cys), 1.0 pt, PMID: 33560664) (PM3_Strong). At least one of these patients with two presumed diagnostic variants and clinical features of LGMD had absent dysferlin expression in muscle, which is highly specific for DYSF-related LGMD (PMID: 27647186, 33560664; PP4_Strong). The Grpmax variant allele frequency in gnomAD v4.1.0 is 0.0003332 (8/44628 East Asian chromosomes), which is greater than the LGMD VCEP threshold (≤0.0001) (PM2_Supporting not met). Immunofluorescence and 2-A assays of dysferlin membrane localization in HEK293T cells showed the Leu556Pro protein did not reach the cell membrane, indicating an impact on protein function (PMID: 35028538) (PS3_Moderate). The computational predictor REVEL gives a score of 0.72, which is above the LGMD VCEP threshold of ≥0.70, evidence that correlates with impact to DYSF function (PP3). In summary, this variant meets the criteria to be classified as Pathogenic for autosomal recessive limb girdle muscular dystrophy based on the ACMG/AMP criteria applied, as specified by the ClinGen LGMD VCEP (LGMD VCEP specifications version 2.0.0; 01/23/2026): PM3_Strong, PP4_Strong, PS3_Moderate, PP1, PP3.

Natera, Inc.
Classification: Pathogenic for Limb-girdle muscular dystrophy type 2B. Last evaluated: 2025-12-01. Review status: criteria provided, single submitter. Criteria: Natera Variant Classification Schema (03/2026). Collection method: clinical testing. Allele origin: germline. Not counted in ClinVar's aggregate classification.
Comment: The c.1667T>C variant in DYSF is a missense variant predicted to cause substitution of leucine to proline at amino acid 556. This variant is rare in the general population with a frequency below the threshold expected for the associated phenotype(s). This variant has been observed in one or more individuals affected with the associated recessive disease, as either homozygous or compound heterozygous with a second variant (PMID: 34559919, 27647186, 27066573). Functional studies show that this variant may disrupt protein function (PMID: 34559919). Computational prediction algorithms indicate this variant is likely to affect gene or protein function. Given the available evidence, this variant is classified as Pathogenic.

3billion
Classification: Likely pathogenic for DYSF-related disorder. Last evaluated: 2025-09-22. Review status: criteria provided, single submitter. Criteria: ACMG Guidelines, 2015. Collection method: clinical testing. Allele origin: germline. Affected: yes. Not counted in ClinVar's aggregate classification.
Comment: The variant is observed at an extremely low frequency in the gnomAD v4.1.0 dataset (total allele frequency: <0.001%). Predicted Consequence/Location: Missense variant In silico tool predictions suggest damaging effect of the variant on gene or gene product [REVEL: 0.72 (>=0.6, sensitivity 0.68 and specificity 0.92); 3Cnet: 0.99 (> 0.75, sensitivity 0.96 and precision 0.92)]. The same nucleotide change resulting in the same amino acid change has been previously reported as pathogenic/likely pathogenic with strong evidence (ClinVar ID: VCV000545009). The variant has been reported to be in trans with a pathogenic variant as either compound heterozygous or homozygous in at least one similarly affected unrelated individual (PMID: 30107846). Therefore, this variant is classified as Likely pathogenic according to the recommendation of ACMG/AMP guideline.

Labcorp Genetics (formerly Invitae), Labcorp
Classification: Pathogenic for Neuromuscular disease caused by qualitative or quantitative defects of dysferlin. Last evaluated: 2025-05-30. Review status: criteria provided, single submitter. Criteria: Invitae Variant Classification Sherloc (09022015). Collection method: clinical testing. Allele origin: germline. Not counted in ClinVar's aggregate classification.
Comment: This sequence change replaces leucine, which is neutral and non-polar, with proline, which is neutral and non-polar, at codon 556 of the DYSF protein (p.Leu556Pro). This variant is present in population databases (rs200916654, gnomAD 0.04%). This missense change has been observed in individual(s) with dyferlinopathy (PMID: 25591676, 29382405, 30107846). In at least one individual the data is consistent with being in trans (on the opposite chromosome) from a pathogenic variant. This variant is also known as p.Leu574Pro. ClinVar contains an entry for this variant (Variation ID: 545009). Invitae Evidence Modeling of protein sequence and biophysical properties (such as structural, functional, and spatial information, amino acid conservation, physicochemical variation, residue mobility, and thermodynamic stability) indicates that this missense variant is not expected to disrupt DYSF protein function with a negative predictive value of 95%. For these reasons, this variant has been classified as Pathogenic.

Fulgent Genetics
Classification: Pathogenic for Autosomal recessive limb-girdle muscular dystrophy type 2B; Miyoshi muscular dystrophy 1; Distal myopathy with anterior tibial onset. Last evaluated: 2024-05-16. Review status: criteria provided, single submitter. Criteria: ACMG Guidelines, 2015. Collection method: clinical testing. Allele origin: germline. Not counted in ClinVar's aggregate classification.

Revvity Omics, Revvity
Classification: Pathogenic. Last evaluated: 2023-04-27. Review status: criteria provided, single submitter. Criteria: ACMG Guidelines, 2015. Collection method: clinical testing. Allele origin: germline. Not counted in ClinVar's aggregate classification.

Department of Neurology, Guangzhou First People’s Hospital, School of Medicine, South China University of Technology
Classification: Pathogenic. Last evaluated: 2019-07-01. Review status: no assertion criteria provided. Collection method: reference population. Allele origin: maternal. Affected: yes. Not counted in ClinVar's aggregate classification.

Foundation for Research in Genetics and Endocrinology, FRIGE's Institute of Human Genetics
Classification: Likely pathogenic for Autosomal recessive limb-girdle muscular dystrophy type 2B. Last evaluated: 2017-07-19. Review status: no assertion criteria provided. Collection method: clinical testing. Allele origin: germline. Inheritance: Autosomal recessive inheritance. Affected: yes. Observed: 1 variant allele, 1 compound heterozygote. Not counted in ClinVar's aggregate classification.
Comment: The observed variant c.1721T>C (p.Leu574Pro) is reported in 1000 Genomes and ExAC databases with a minor allele frequency of 0.0002 and 0.00002162 respectively. The in silico prediction of the variant is disease causing by MutationTaster2 and damaging by SIFT.

Literature cited by the submitters: PubMed 35028538 (cited by ClinGen Limb Girdle Muscular Dystrophy Variant Curation Expert Panel, ClinGen); PubMed 34559919 (cited by Natera, Inc.); PubMed 27647186 (cited by Natera, Inc.); PubMed 27066573 (cited by Natera, Inc.); PubMed 30107846 (cited by 3billion and Labcorp Genetics (formerly Invitae), Labcorp); PubMed 25591676 (cited by Labcorp Genetics (formerly Invitae), Labcorp); PubMed 29382405 (cited by Labcorp Genetics (formerly Invitae), Labcorp).